The following is an entry in ClinVar:

NM_152384.3(BBS5):c.342T>G (p.Val114=)

Gene: BBS5 (Bardet-Biedl syndrome 5; plus strand). Cytogenetic location: 2q31.1.
Variant type: single nucleotide variant.
Coding change: c.342T>G on transcript NM_152384.3 (MANE Select); coding-DNA position 342, T replaced by G.
Protein change: p.Val114=; no amino-acid change (valine 114 retained).
Molecular consequence: synonymous variant.
Genome position (GRCh38, 1-based): chr2:169,488,070, T>G. VCF-style: chr2-169488070-T-G. GRCh37 (hg19) VCF-style: chr2-170344580-T-G.
Other names: c.342T>G (NM_152384.2).
Identifiers: ClinVar variation 2791659 (VCV002791659.4), dbSNP rs1300769597, ClinGen allele CA429922488.

ClinVar aggregate classification (germline): Likely benign. Review status: criteria provided, multiple submitters, no conflicts (2 of 4 stars). 2 submissions from 2 submitters: Likely benign (2). Last evaluated 2026-05-06.

Conditions:
Bardet-Biedl syndrome (BBS). Identifiers: Orphanet 110, MedGen C0752166, MONDO:0015229.
BBS5-related disorder. Also called: BBS5-related condition.

Allele frequency attached by ClinVar (database versions not stated): TOPMed 0.00001; gnomAD 0.00003.
gnomAD v4.1: 4 of 1,613,528 alleles (0.00025%); highest among the groups gnomAD compares: African/African-American, 0.0053%; no homozygotes.

Submissions (2):

PreventionGenetics, part of Exact Sciences
Classification: Likely benign for BBS5-related condition. Last evaluated: 2026-05-06. Review status: criteria provided, single submitter. Criteria: ACMG Guidelines, 2015. Collection method: clinical testing. Allele origin: germline.
Comment: This variant is classified as likely benign based on ACMG/AMP sequence variant interpretation guidelines (Richards et al. 2015 PMID: 25741868, with internal and published modifications).

Labcorp Genetics (formerly Invitae), Labcorp
Classification: Likely benign for Bardet-Biedl syndrome. Last evaluated: 2023-06-25. Review status: criteria provided, single submitter. Criteria: Invitae Variant Classification Sherloc (09022015). Collection method: clinical testing. Allele origin: germline.